The following is an entry in ClinVar:

ClinVar aggregate classification (germline): Pathogenic (1 of 4 stars; one submission).

Submission:

Labcorp Genetics (formerly Invitae), Labcorp
Classification: Pathogenic. Last evaluated: 2024-11-15. Review status: criteria provided, single submitter. Criteria: Invitae Variant Classification Sherloc (09022015). Collection method: clinical testing. Allele origin: germline.
Comment: This sequence change creates a premature translational stop signal (p.Gly454Glufs*117) in the COL4A2 gene. It is expected to result in an absent or disrupted protein product. Loss-of-function variants in COL4A2 are known to be pathogenic (PMID: 22333902, 30315939). This variant is not present in population databases (gnomAD no frequency). This variant has not been reported in the literature in individuals affected with COL4A2-related conditions. ClinVar contains an entry for this variant (Variation ID: 2809267). For these reasons, this variant has been classified as Pathogenic.

Literature cited by the submitters: PubMed 22333902; PubMed 30315939.

NM_001846.4(COL4A2):c.1359del (p.Gly454fs)

Genes: COL4A2 (collagen type IV alpha 2 chain; plus strand), COL4A2-AS2 (COL4A2 antisense RNA 2; minus strand). Cytogenetic location: 13q34.
Variant type: Deletion.
Coding change: c.1359del on transcript NM_001846.4 (MANE Select); coding-DNA position 1359, one base deleted (A; older notation c.1359delA).
Protein change: p.Gly454fs; shifts the reading frame from glycine 454.
Molecular consequence: frameshift variant.
Genome position (GRCh38, 1-based): chr13:110,457,362, A deleted; the last of 3 consecutive A bases (chr13:110,457,360-110,457,362); deleting any one gives the same sequence. VCF-style (leftmost placement, unchanged base first): chr13-110457359-GA-G. GRCh37 (hg19) VCF-style: chr13-111109706-GA-G.
Other names: short protein forms G454fs.
Identifiers: ClinVar variation 2809267 (VCV002809267.3), dbSNP rs2502108340, ClinGen allele CA2623687398.